The following is an entry in ClinVar:

NM_172107.4(KCNQ2):c.1320A>G (p.Lys440=)

Gene: KCNQ2 (potassium voltage-gated channel subfamily Q member 2; minus strand). Cytogenetic location: 20q13.33.
Variant type: single nucleotide variant.
Coding change: c.1320A>G on transcript NM_172107.4 (MANE Select); coding-DNA position 1320, A replaced by G.
Protein change: p.Lys440=; no amino-acid change (lysine 440 retained).
Molecular consequence: synonymous variant. On other transcripts: intron variant (1).
Genome position (GRCh38, 1-based): chr20:63,415,108, T>C on the plus strand (A>G on the coding strand, the complement: KCNQ2 is on the minus strand). VCF-style: chr20-63415108-T-C. GRCh37 (hg19) VCF-style: chr20-62046461-T-C.
Other names: c.1266A>G, p.Lys422= (NM_001382235.1, NM_172106.3); c.1236A>G, p.Lys412= (NM_004518.6); c.1248-18A>G (NM_172108.5).
Identifiers: ClinVar variation 3045402 (VCV003045402.2), dbSNP rs2516189565, ClinGen allele CA511339619.

ClinVar aggregate classification (germline): Likely benign (0 of 4 stars; one submission).

Conditions:
KCNQ2-Related Disorders. Also called: KCNQ2-related disorder; KCNQ2-related condition. Identifiers: MedGen CN169299.

Submission:

PreventionGenetics, part of Exact Sciences
Classification: Likely benign for KCNQ2-related condition. Last evaluated: 2022-06-30. Review status: no assertion criteria provided. Collection method: clinical testing. Allele origin: germline.
Comment: This variant is classified as likely benign based on ACMG/AMP sequence variant interpretation guidelines (Richards et al. 2015 PMID: 25741868, with internal and published modifications).